The following is an entry in ClinVar:

NM_002878.4(RAD51D):c.224T>G (p.Leu75Arg)

Genes: RAD51L3-RFFL (RAD51L3-RFFL readthrough; minus strand), RAD51D (RAD51 paralog D; minus strand). Cytogenetic location: 17q12.
Variant type: single nucleotide variant.
Coding change: c.224T>G on transcript NM_002878.4 (MANE Select); coding-DNA position 224, T replaced by G.
Protein change: p.Leu75Arg; replaces leucine 75 with arginine.
Molecular consequence: missense variant. On other transcripts: intron variant (2).
Genome position (GRCh38, 1-based): chr17:35,118,540, A>C on the plus strand (T>G on the coding strand, the complement: RAD51D is on the minus strand). VCF-style: chr17-35118540-A-C. GRCh37 (hg19) VCF-style: chr17-33445559-A-C.
Other names: c.144+571T>G (NM_133629.3, NM_001142571.2); short protein forms L75R.
Identifiers: ClinVar variation 1788409 (VCV001788409.3), dbSNP rs2142473963, ClinGen allele CA399091248.

ClinVar aggregate classification (germline): Uncertain significance. Review status: criteria provided, multiple submitters, no conflicts (2 of 4 stars). 2 submissions from 2 submitters: Uncertain significance (2). Last evaluated 2024-04-02.

Conditions:
Hereditary cancer-predisposing syndrome. Also called: Neoplastic Syndromes, Hereditary; Tumor predisposition; Hereditary Cancer Syndrome; Hereditary neoplastic syndrome. Identifiers: Orphanet 140162, MedGen C0027672, MeSH D009386, MONDO:0015356.

gnomAD v4.1: 1 of 1,614,172 alleles (0.000062%); highest among the groups gnomAD compares: Admixed American, 0.0017%; no homozygotes.

Submissions (2):

GeneDx
Classification: Uncertain significance. Last evaluated: 2024-04-02. Review status: criteria provided, single submitter. Criteria: GeneDx Variant Classification Process June 2021. Collection method: clinical testing. Allele origin: germline. Affected: yes.
Comment: Not observed at significant frequency in large population cohorts (gnomAD); In silico analysis supports that this missense variant has a deleterious effect on protein structure/function; Has not been previously published as pathogenic or benign to our knowledge; This variant is associated with the following publications: (PMID: 14704354, 19327148)

Ambry Genetics
Classification: Uncertain significance for Hereditary cancer-predisposing syndrome. Last evaluated: 2017-10-17. Review status: criteria provided, single submitter. Criteria: Ambry Variant Classification Scheme 2023. Collection method: clinical testing. Allele origin: germline.
Comment: The p.L75R variant (also known as c.224T>G), located in coding exon 3 of the RAD51D gene, results from a T to G substitution at nucleotide position 224. The leucine at codon 75 is replaced by arginine, an amino acid with dissimilar properties. This amino acid position is highly conserved in available vertebrate species. In addition, this alteration is predicted to be deleterious by in silico analysis. Since supporting evidence is limited at this time, the clinical significance of this alteration remains unclear.